The following is an entry in ClinVar:

ClinVar aggregate classification (germline): Likely benign (0 of 4 stars; one submission).

Conditions:
ADGRE1-related disorder. Also called: ADGRE1-related condition.

Submission:

PreventionGenetics, part of Exact Sciences
Classification: Likely benign for ADGRE1-related condition. Last evaluated: 2021-05-16. Review status: no assertion criteria provided. Collection method: clinical testing. Allele origin: germline.
Comment: This variant is classified as likely benign based on ACMG/AMP sequence variant interpretation guidelines (Richards et al. 2015 PMID: 25741868, with internal and published modifications).

NM_001974.5(ADGRE1):c.1621-4_1621-3dup

Gene: ADGRE1 (adhesion G protein-coupled receptor E1; plus strand). Cytogenetic location: 19p13.2.
Variant type: Duplication.
Coding change: c.1621-4_1621-3dup on transcript NM_001974.5 (MANE Select); 4 bases into the intron before coding-DNA position 1621 through 3 bases into the intron before coding-DNA position 1621, 2 bases duplicated (TT; older notation c.1621-4_1621-3dupTT).
Molecular consequence: intron variant.
Genome position (GRCh38, 1-based): chr19:6,921,709-6,921,710, TT duplicated; duplicating any 2 consecutive bases within chr19:6,921,703-6,921,710 gives the same sequence; the c. name uses the placement nearest the transcript's 3' end. VCF-style (leftmost placement, unchanged base first): chr19-6921702-G-GTT. GRCh37 (hg19) VCF-style: chr19-6921713-G-GTT.
Other names: c.1621-4_1621-3dup (NM_001256253.2); c.1090-4_1090-3dup (NM_001256255.2); c.1465-4_1465-3dup (NM_001256252.2); c.1198-4_1198-3dup (NM_001256254.2).
Identifiers: ClinVar variation 3047207 (VCV003047207.2), dbSNP rs34941944, ClinGen allele CA9133601.